The following is an entry in ClinVar:

ClinVar aggregate classification (germline): Pathogenic (1 of 4 stars; one submission).

Conditions:
Polycystic kidney disease, adult type (PKD1). Also called: POLYCYSTIC KIDNEY DISEASE, ADULT, TYPE I; Polycystic Kidney Disease 1, Autosomal Dominant; Polycystic kidney disease 1; Polycystic kidney disease 1, severe; POLYCYSTIC KIDNEY DISEASE 1 WITH OR WITHOUT POLYCYSTIC LIVER DISEASE; Polycystic Kidney, Autosomal Dominant. Identifiers: MedGen C3149841, MONDO:0008263, OMIM 173900.

Submission:

Department of Human Genetics, Hannover Medical School
Classification: Pathogenic for Polycystic kidney disease, adult type. Last evaluated: 2025-08-29. Review status: criteria provided, single submitter. Criteria: ACMG Guidelines, 2015. Collection method: clinical testing. Allele origin: germline. Inheritance: Autosomal dominant inheritance. Affected: yes.
Comment: PVS1, PM2_Supporting, PP4_Strong

NM_001009944.3(PKD1):c.2328del (p.Glu776fs)

Gene: PKD1 (polycystin 1, transient receptor potential channel interacting; minus strand). Cytogenetic location: 16p13.3.
Variant type: Deletion.
Coding change: c.2328del on transcript NM_001009944.3 (MANE Select); coding-DNA position 2328, one base deleted (A; older notation c.2328delA).
Protein change: p.Glu776fs; shifts the reading frame from glutamic acid 776.
Molecular consequence: frameshift variant.
Genome position (GRCh38, 1-based): chr16:2,114,695, T deleted on the plus strand (A on the coding strand, the reverse complement: PKD1 is on the minus strand); the first of 2 consecutive T bases (chr16:2,114,695-2,114,696); deleting either gives the same sequence. VCF-style (leftmost placement, unchanged base first): chr16-2114694-GT-G. GRCh37 (hg19) VCF-style: chr16-2164695-GT-G.
Other names: c.2328del, p.Glu776fs (NM_000296.4); short protein forms E776fs.
Identifiers: ClinVar variation 4076988 (VCV004076988.1).